The following is an entry in ClinVar:

NM_025243.4(SLC19A3):c.*803G>A

Gene: SLC19A3 (solute carrier family 19 member 3; minus strand). Cytogenetic location: 2q36.3.
Variant type: single nucleotide variant.
Coding change: c.*803G>A on transcript NM_025243.4 (MANE Select); 803 bases downstream of the stop codon, G replaced by A.
Molecular consequence: 3 prime UTR variant.
Genome position (GRCh38, 1-based): chr2:227,686,594, C>T on the plus strand (G>A on the coding strand, the complement: SLC19A3 is on the minus strand). VCF-style: chr2-227686594-C-T. GRCh37 (hg19) VCF-style: chr2-228551310-C-T.
Identifiers: ClinVar variation 334862 (VCV000334862.5), dbSNP rs186279191, ClinGen allele CA10614505.

ClinVar aggregate classification (germline): Benign (1 of 4 stars; one submission).

Conditions:
Biotin-responsive basal ganglia disease (BTBGD). Also called: Thiamine Transporter-2 Deficiency; THIAMINE METABOLISM DYSFUNCTION SYNDROME 2 (BIOTIN- AND THIAMINE-RESPONSIVE TYPE); Thiamine metabolism dysfunction syndrome type 2; Thiamine metabolism dysfunction syndrome 2 (biotin- or thiamine-responsive encephalopathy type 2); thiamine-responsive encephalopathy. Identifiers: Orphanet 199348, Orphanet 65284, MedGen C1843807, MONDO:0011841, OMIM 607483.

Allele frequency attached by ClinVar (database versions not stated): gnomAD 0.00118 and 0.00138; TOPMed 0.00258; 1000 Genomes Project 30x 0.00593; 1000 Genomes Project 0.00599.

Submission:

Illumina Laboratory Services, Illumina
Classification: Benign for Biotin-responsive basal ganglia disease. Last evaluated: 2018-01-13. Review status: criteria provided, single submitter. Criteria: ICSL Variant Classification Criteria 13 December 2019. Collection method: clinical testing. Allele origin: germline.
Comment: This variant was observed in the ICSL laboratory as part of a predisposition screen in an ostensibly healthy population. It had not been previously curated by ICSL or reported in the Human Gene Mutation Database (HGMD: prior to June 1st, 2018), and was therefore a candidate for classification through an automated scoring system. Utilizing variant allele frequency, disease prevalence and penetrance estimates, and inheritance mode, an automated score was calculated to assess if this variant is too frequent to cause the disease. Based on the score and internal cut-off values, a variant classified as benign is not then subjected to further curation. The score for this variant resulted in a classification of benign for this disease.